The following is an entry in ClinVar:

NM_019594.4(LRRC8A):c.325G>A (p.Val109Met)

Gene: LRRC8A (leucine rich repeat containing 8 VRAC subunit A; plus strand). Cytogenetic location: 9q34.11.
Variant type: single nucleotide variant.
Coding change: c.325G>A on transcript NM_019594.4 (MANE Select); coding-DNA position 325, G replaced by A.
Protein change: p.Val109Met; replaces valine 109 with methionine.
Molecular consequence: missense variant.
Genome position (GRCh38, 1-based): chr9:128,907,489, G>A. VCF-style: chr9-128907489-G-A. GRCh37 (hg19) VCF-style: chr9-131669768-G-A.
Other names: c.325G>A (NM_001127244.1); c.325G>A, p.Val109Met (NM_001127244.2, NM_001127245.2); short protein forms V109M.
Identifiers: ClinVar variation 2993489 (VCV002993489.4), dbSNP rs370697938, ClinGen allele CA5270699.

ClinVar aggregate classification (germline): Uncertain significance. Review status: criteria provided, multiple submitters, no conflicts (2 of 4 stars). 2 submissions from 2 submitters: Uncertain significance (2). Last evaluated 2025-11-23.

gnomAD v4.1: 7 of 1,613,950 alleles (0.00043%); highest among the groups gnomAD compares: South Asian, 0.0011%; no homozygotes.

Submissions (2):

Labcorp Genetics (formerly Invitae), Labcorp
Classification: Uncertain significance. Last evaluated: 2025-11-23. Review status: criteria provided, single submitter. Criteria: Invitae Variant Classification Sherloc (09022015). Collection method: clinical testing. Allele origin: germline.
Comment: This sequence change replaces valine, which is neutral and non-polar, with methionine, which is neutral and non-polar, at codon 109 of the LRRC8A protein (p.Val109Met). This variant is present in population databases (rs370697938, gnomAD 0.003%). This variant has not been reported in the literature in individuals affected with LRRC8A-related conditions. ClinVar contains an entry for this variant (Variation ID: 2993489). An algorithm developed to predict the effect of missense changes on protein structure and function (PolyPhen-2) suggests that this variant is likely to be disruptive. In summary, the available evidence is currently insufficient to determine the role of this variant in disease. Therefore, it has been classified as a Variant of Uncertain Significance.

Ambry Genetics
Classification: Uncertain significance. Last evaluated: 2024-12-03. Review status: criteria provided, single submitter. Criteria: Ambry Variant Classification Scheme 2023. Collection method: clinical testing. Allele origin: germline.